The following is an entry in ClinVar:

ClinVar aggregate classification (germline): Uncertain significance (1 of 4 stars; one submission).

Submission:

Ambry Genetics
Classification: Uncertain significance. Last evaluated: 2025-08-12. Review status: criteria provided, single submitter. Criteria: Ambry Variant Classification Scheme 2023. Collection method: clinical testing. Allele origin: germline.
Comment: The p.P606S variant (also known as c.1816C>T), located in coding exon 8 of the RNF43 gene, results from a C to T substitution at nucleotide position 1816. The proline at codon 606 is replaced by serine, an amino acid with similar properties. This amino acid position is conserved. In addition, this alteration is predicted to be tolerated by in silico analysis. Based on the available evidence, the clinical significance of this variant remains unclear.

NM_017763.6(RNF43):c.1816C>T (p.Pro606Ser)

Gene: RNF43 (ring finger protein 43; minus strand). Cytogenetic location: 17q22.
Variant type: single nucleotide variant.
Coding change: c.1816C>T on transcript NM_017763.6 (MANE Select); coding-DNA position 1816, C replaced by T.
Protein change: p.Pro606Ser; replaces proline 606 with serine.
Molecular consequence: missense variant.
Genome position (GRCh38, 1-based): chr17:58,357,960, G>A on the plus strand (C>T on the coding strand, the complement: RNF43 is on the minus strand). VCF-style: chr17-58357960-G-A. GRCh37 (hg19) VCF-style: chr17-56435321-G-A.
Other names: c.1816C>T, p.Pro606Ser (NM_001305544.3, NM_001438820.1, NM_001438821.1 and 1 more transcripts); c.1435C>T, p.Pro479Ser (NM_001305545.2, NM_001437987.1); short protein forms P606S, P479S.
Identifiers: ClinVar variation 4155779 (VCV004155779.1).
Genomic context (GRCh38, chr17:58,357,960, plus strand): 5'-GGCCAGGGGCTGGCTCAGGGAGGGCCCTGGGGCACTGTGGGTTAGAGAGCCGCCCCGAAG[G>A]GGCTGCTGAGTTGGATCTGGTGACTTGCTGATCAGGAGAAGGTGGCTCTGGCTGGGGCTG-3'
Protein context (NP_060233.3, residues 596-616): QQVTRSNSAA[Pro606Ser]SGRLSNPQCP